The following is an entry in ClinVar:

ClinVar aggregate classification (germline): Likely benign. Review status: criteria provided, multiple submitters, no conflicts (2 of 4 stars). 4 submissions from 4 submitters: Likely benign (3). 1 of the submissions does not count toward it. Last evaluated 2026-01-04.

Conditions:
PLOD1-related disorder. Also called: PLOD1-related condition.
Ehlers-Danlos syndrome, kyphoscoliotic type 1 (EDSKSCL1). Also called: Ehlers-Danlos syndrome, hydroxylysine-deficient; EHLERS-DANLOS SYNDROME, OCULAR-SCOLIOTIC TYPE; EHLERS-DANLOS SYNDROME, TYPE VIA; PLOD1-Related Kyphoscoliotic Ehlers-Danlos Syndrome. Identifiers: Orphanet 1900, MedGen C0268342, MONDO:0016002, OMIM 225400. Disease mechanism: loss of function.

Allele frequency attached by ClinVar (database versions not stated): gnomAD 0.00001; ExAC 0.00003; TOPMed 0.00003; gnomAD exomes 0.00004.
gnomAD v4.1: 36 of 1,590,860 alleles (0.0023%); highest among the groups gnomAD compares: Admixed American, 0.015%; no homozygotes.

Submissions (4):

Labcorp Genetics (formerly Invitae), Labcorp
Classification: Likely benign for Ehlers-Danlos syndrome, kyphoscoliotic type 1. Last evaluated: 2026-01-04. Review status: criteria provided, single submitter. Criteria: Invitae Variant Classification Sherloc (09022015). Collection method: clinical testing. Allele origin: germline.

Blueprint Genetics
Classification: Likely benign. Last evaluated: 2024-04-05. Review status: criteria provided, single submitter. Criteria: ACMG Guidelines, 2015. Collection method: clinical testing. Allele origin: germline.

GeneDx
Classification: Likely benign. Last evaluated: 2017-08-14. Review status: criteria provided, single submitter. Criteria: GeneDx Variant Classification (06012015). Collection method: clinical testing. Allele origin: germline. Affected: yes.
Comment: This variant is considered likely benign or benign based on one or more of the following criteria: it is a conservative change, it occurs at a poorly conserved position in the protein, it is predicted to be benign by multiple in silico algorithms, and/or has population frequency not consistent with disease.

PreventionGenetics, part of Exact Sciences
Classification: Likely benign for PLOD1-related condition. Last evaluated: 2019-11-27. Review status: no assertion criteria provided. Collection method: clinical testing. Allele origin: germline. Not counted in ClinVar's aggregate classification.
Comment: This variant is classified as likely benign based on ACMG/AMP sequence variant interpretation guidelines (Richards et al. 2015 PMID: 25741868, with internal and published modifications).

NM_000302.4(PLOD1):c.741+7G>A

Gene: PLOD1 (procollagen-lysine,2-oxoglutarate 5-dioxygenase 1; plus strand). Cytogenetic location: 1p36.22.
Variant type: single nucleotide variant.
Coding change: c.741+7G>A on transcript NM_000302.4 (MANE Select); 7 bases into the intron after coding-DNA position 741, G replaced by A.
Molecular consequence: intron variant.
Genome position (GRCh38, 1-based): chr1:11,957,021, G>A. VCF-style: chr1-11957021-G-A. GRCh37 (hg19) VCF-style: chr1-12017078-G-A.
Other names: c.882+7G>A (NM_001316320.2).
Identifiers: ClinVar variation 511431 (VCV000511431.15), dbSNP rs751215041, ClinGen allele CA598066.